The following is an entry in ClinVar:

NM_002457.5(MUC2):c.339C>T (p.Asn113=)

Gene: MUC2 (mucin 2, oligomeric mucus/gel-forming; plus strand). Cytogenetic location: 11p15.5.
Variant type: single nucleotide variant.
Coding change: c.339C>T on transcript NM_002457.5 (MANE Select); coding-DNA position 339, C replaced by T.
Protein change: p.Asn113=; no amino-acid change (asparagine 113 retained).
Molecular consequence: synonymous variant.
Genome position (GRCh38, 1-based): chr11:1,075,913, C>T. VCF-style: chr11-1075913-C-T. GRCh37 (hg19) VCF-style: chr11-1075913-C-T.
Identifiers: ClinVar variation 2641115 (VCV002641115.24), dbSNP rs370854167, ClinGen allele CA5798052.

ClinVar aggregate classification (germline): Likely benign (1 of 4 stars; one submission).

Allele frequency attached by ClinVar (database versions not stated): gnomAD exomes 0.00007; ExAC 0.00031; ESP Exome Variant Server 0.00057; gnomAD 0.00067; TOPMed 0.00070; 1000 Genomes Project 0.00080; 1000 Genomes Project 30x 0.00094.

Submission:

CeGaT Center for Human Genetics Tuebingen
Classification: Likely benign. Last evaluated: 2022-05-01. Review status: criteria provided, single submitter. Criteria: CeGaT Center For Human Genetics Tuebingen Variant Classification Criteria Version 2. Collection method: clinical testing. Allele origin: germline. Affected: yes. Observed: 2 variant alleles.
Comment: MUC2: BP4, BP7